The following is an entry in ClinVar:

ClinVar aggregate classification (germline): Uncertain significance. Review status: criteria provided, multiple submitters, no conflicts (2 of 4 stars). 3 submissions from 3 submitters: Uncertain significance (3). Last evaluated 2025-11-19.

Conditions:
Hereditary cancer-predisposing syndrome. Also called: Hereditary Cancer Syndrome; Hereditary neoplastic syndrome; Neoplastic Syndromes, Hereditary; Tumor predisposition. Identifiers: Orphanet 140162, MedGen C0027672, MeSH D009386, MONDO:0015356.

Allele frequency attached by ClinVar (database versions not stated): gnomAD 0.00001; gnomAD exomes 0.00001.
gnomAD v4.1: 4 of 1,614,038 alleles (0.00025%); highest among the groups gnomAD compares: Admixed American, 0.005%; no homozygotes.

Submissions (3):

Ambry Genetics
Classification: Uncertain significance for Hereditary cancer-predisposing syndrome. Last evaluated: 2025-11-19. Review status: criteria provided, single submitter. Criteria: Ambry Variant Classification Scheme 2023. Collection method: clinical testing. Allele origin: germline.
Comment: The p.P1148R variant (also known as c.3443C>G), located in coding exon 28 of the POLE gene, results from a C to G substitution at nucleotide position 3443. The proline at codon 1148 is replaced by arginine, an amino acid with dissimilar properties. This amino acid position is conserved. In addition, this alteration is predicted to be deleterious by in silico analysis. Based on the available evidence, the clinical significance of this variant remains unclear.

Labcorp Genetics (formerly Invitae), Labcorp
Classification: Uncertain significance. Last evaluated: 2025-10-24. Review status: criteria provided, single submitter. Criteria: Invitae Variant Classification Sherloc (09022015). Collection method: clinical testing. Allele origin: germline.
Comment: This sequence change replaces proline, which is neutral and non-polar, with arginine, which is basic and polar, at codon 1148 of the POLE protein (p.Pro1148Arg). This variant is not present in population databases (gnomAD no frequency). This variant has not been reported in the literature in individuals affected with POLE-related conditions. ClinVar contains an entry for this variant (Variation ID: 405891). Invitae Evidence Modeling of protein sequence and biophysical properties (such as structural, functional, and spatial information, amino acid conservation, physicochemical variation, residue mobility, and thermodynamic stability) indicates that this missense variant is expected to disrupt POLE protein function with a positive predictive value of 80%. In summary, the available evidence is currently insufficient to determine the role of this variant in disease. Therefore, it has been classified as a Variant of Uncertain Significance.

GeneDx
Classification: Uncertain significance. Last evaluated: 2019-11-20. Review status: criteria provided, single submitter. Criteria: GeneDx Variant Classification Process June 2021. Collection method: clinical testing. Allele origin: germline. Affected: yes.
Comment: Not observed in large population cohorts (Lek 2016); In silico analysis, which includes protein predictors and evolutionary conservation, supports a deleterious effect; Has not been previously published as pathogenic or benign to our knowledge

NM_006231.4(POLE):c.3443C>G (p.Pro1148Arg)

Gene: POLE (DNA polymerase epsilon, catalytic subunit; minus strand). Cytogenetic location: 12q24.33.
Variant type: single nucleotide variant.
Coding change: c.3443C>G on transcript NM_006231.4 (MANE Select); coding-DNA position 3443, C replaced by G.
Protein change: p.Pro1148Arg; replaces proline 1148 with arginine.
Molecular consequence: missense variant.
Genome position (GRCh38, 1-based): chr12:132,657,365, G>C on the plus strand (C>G on the coding strand, the complement: POLE is on the minus strand). VCF-style: chr12-132657365-G-C. GRCh37 (hg19) VCF-style: chr12-133233951-G-C.
Other names: c.3443C>G (NM_006231.2); short protein forms P1148R.
Identifiers: ClinVar variation 405891 (VCV000405891.15), dbSNP rs1060500886, ClinGen allele CA16613672.